The following is an entry in ClinVar:

ClinVar aggregate classification (germline): Uncertain significance. Review status: criteria provided, multiple submitters, no conflicts (2 of 4 stars). 4 submissions from 4 submitters: Uncertain significance (4). Last evaluated 2025-04-03.

Conditions:
Charcot-Marie-Tooth disease axonal type 2C (HMSN2C). Also called: CHARCOT-MARIE-TOOTH DISEASE, AXONAL, AUTOSOMAL DOMINANT, TYPE 2C; Charcot-Marie-Tooth Neuropathy Type 2C; Charcot-Marie-Tooth Disease Type 2, TRPV4-Related (CMT2C). Identifiers: Orphanet 99937, MedGen C1853710, MONDO:0011633, OMIM 606071.
Neuronopathy, distal hereditary motor, autosomal dominant 8. Also called: NEURONOPATHY, DISTAL HEREDITARY MOTOR, TYPE VIII; NEUROPATHY, DISTAL HEREDITARY MOTOR, TYPE VIII; Autosomal dominant congenital benign spinal muscular atrophy; SPINAL MUSCULAR ATROPHY, CONGENITAL BENIGN, WITH CONTRACTURES. Identifiers: Orphanet 1216, MedGen C1838492, MONDO:0010839, OMIM 600175.
Scapuloperoneal spinal muscular atrophy (SPSMA). Also called: Scapuloperoneal spinal muscular atrophy, autosomal dominant; Scapuloperoneal Form of Spinal Muscular Atrophy; Scapuloperoneal Spinal Muscular Atrophy, TRPV4-Related; AMYOTROPHY, NEUROGENIC SCAPULOPERONEAL, NEW ENGLAND TYPE. Identifiers: Orphanet 431255, MedGen C0751335, MONDO:0008408, OMIM 181405.
Inborn genetic diseases. Identifiers: MedGen C0950123, MeSH D030342.

Allele frequency attached by ClinVar (database versions not stated): gnomAD exomes 0.00001; ExAC 0.00002; ESP Exome Variant Server 0.00008; TOPMed 0.00003; gnomAD 0.00004 and 0.00005.
gnomAD v4.1: 13 of 1,613,794 alleles (0.00081%); highest among the groups gnomAD compares: African/African-American, 0.008%; no homozygotes.

Submissions (4):

Ambry Genetics
Classification: Uncertain significance for Inborn genetic diseases. Last evaluated: 2025-04-03. Review status: criteria provided, single submitter. Criteria: Ambry Variant Classification Scheme 2023. Collection method: clinical testing. Allele origin: germline.

GeneDx
Classification: Uncertain significance. Last evaluated: 2024-09-10. Review status: criteria provided, single submitter. Criteria: GeneDx Variant Classification Process June 2021. Collection method: clinical testing. Allele origin: germline. Affected: yes.
Comment: Reported in a healthy control in a case-control study of patients with autism (PMID: 26934580); In silico analysis supports that this missense variant has a deleterious effect on protein structure/function; This variant is associated with the following publications: (PMID: 26934580)

Labcorp Genetics (formerly Invitae), Labcorp
Classification: Uncertain significance for Charcot-Marie-Tooth disease axonal type 2C. Last evaluated: 2023-05-10. Review status: criteria provided, single submitter. Criteria: Invitae Variant Classification Sherloc (09022015). Collection method: clinical testing. Allele origin: germline.
Comment: This variant has not been reported in the literature in individuals affected with TRPV4-related conditions. This variant is present in population databases (rs143604694, gnomAD 0.01%). This sequence change replaces arginine, which is basic and polar, with cysteine, which is neutral and slightly polar, at codon 355 of the TRPV4 protein (p.Arg355Cys). ClinVar contains an entry for this variant (Variation ID: 1466958). In summary, the available evidence is currently insufficient to determine the role of this variant in disease. Therefore, it has been classified as a Variant of Uncertain Significance. Advanced modeling of protein sequence and biophysical properties (such as structural, functional, and spatial information, amino acid conservation, physicochemical variation, residue mobility, and thermodynamic stability) performed at Invitae indicates that this missense variant is expected to disrupt TRPV4 protein function.

Kariminejad - Najmabadi Pathology & Genetics Center
Classification: Uncertain significance for Charcot-Marie-Tooth disease axonal type 2C; Neuronopathy, distal hereditary motor, autosomal dominant 8; Scapuloperoneal spinal muscular atrophy. Last evaluated: 2021-04-22. Review status: criteria provided, single submitter. Criteria: ACMG Guidelines, 2015. Collection method: clinical testing. Allele origin: germline. Inheritance: Autosomal dominant inheritance. Affected: yes.
Comment: PM1, PP2, PP3

NM_021625.5(TRPV4):c.1063C>T (p.Arg355Cys)

Gene: TRPV4 (transient receptor potential cation channel subfamily V member 4; minus strand). Cytogenetic location: 12q24.11.
Variant type: single nucleotide variant.
Coding change: c.1063C>T on transcript NM_021625.5 (MANE Select); coding-DNA position 1063, C replaced by T.
Protein change: p.Arg355Cys; replaces arginine 355 with cysteine.
Molecular consequence: missense variant.
Genome position (GRCh38, 1-based): chr12:109,798,703, G>A on the plus strand (C>T on the coding strand, the complement: TRPV4 is on the minus strand). VCF-style: chr12-109798703-G-A. GRCh37 (hg19) VCF-style: chr12-110236508-G-A.
Other names: c.961C>T, p.Arg321Cys (NM_001177431.2); c.922C>T, p.Arg308Cys (NM_001177433.2, NM_001177428.2); c.1063C>T, p.Arg355Cys (NM_147204.3); short protein forms R321C, R308C, R355C.
Identifiers: ClinVar variation 1466958 (VCV001466958.11), dbSNP rs143604694, ClinGen allele CA6780362.
Genomic context (GRCh38, chr12:109,798,703, plus strand): 5'-TGAGGGGCGAGAGGCCGTCGTTGTTGAGCACGGCCTCCAGGTTGCTGTCGGGGAAGAGGC[G>A]GGCACACTTGAGCAGCAGCAGGTCGTACATCTTGGTAACAAACTTGGTGTTCTCACGGGT-3'
Protein context (NP_067638.3, residues 345-365): MYDLLLLKCA[Arg355Cys]LFPDSNLEAV